The following is an entry in ClinVar:

NM_001042492.3(NF1):c.6461_6464del (p.Thr2154fs)

Gene: NF1 (neurofibromin 1; plus strand). Cytogenetic location: 17q11.2.
Variant type: Deletion.
Coding change: c.6461_6464del on transcript NM_001042492.3 (MANE Select); coding-DNA positions 6461 to 6464, 4 bases deleted (CAGA; older notation c.6461_6464delCAGA).
Protein change: p.Thr2154fs; shifts the reading frame from threonine 2154.
Molecular consequence: frameshift variant.
Genome position (GRCh38, 1-based): chr17:31,337,401-31,337,404, CAGA deleted; deleting any 4 consecutive bases within chr17:31,337,399-31,337,404 gives the same sequence; the c. name uses the placement nearest the transcript's 3' end. VCF-style (leftmost placement, unchanged base first): chr17-31337398-TGACA-T. GRCh37 (hg19) VCF-style: chr17-29664416-TGACA-T.
Other names: c.6398_6401delCAGA (NM_000267.3); c.6398_6401delCAGA, p.Thr2133Serfs (NM_000267.4); short protein forms T2133fs, T2154fs.
Identifiers: ClinVar variation 4026970 (VCV004026970.1).
Genomic context (GRCh38, chr17:31,337,398, plus strand): 5'-GTCTTTACTTGTTCCTTTATTCTCTTACAGAAGAGACCAAGCAAGTTTTGAGACTCAGTC[TGACA>T]GAGTTCTCATTACCCAAATTTTACTTGCTGTTTGGCATTAGCAAAGTCAAGTCAGCTGCT-3'

ClinVar aggregate classification (germline): Pathogenic (1 of 4 stars; one submission).

Conditions:
Cardiovascular phenotype. Identifiers: MedGen CN230736.
Hereditary cancer-predisposing syndrome. Also called: Tumor predisposition; Hereditary neoplastic syndrome; Neoplastic Syndromes, Hereditary; Hereditary Cancer Syndrome. Identifiers: Orphanet 140162, MedGen C0027672, MeSH D009386, MONDO:0015356.

Submission:

Ambry Genetics
Classification: Pathogenic for Cardiovascular phenotype; Hereditary cancer-predisposing syndrome. Last evaluated: 2025-05-05. Review status: criteria provided, single submitter. Criteria: Ambry Variant Classification Scheme 2023. Collection method: clinical testing. Allele origin: germline.
Comment: The c.6398_6401delCAGA pathogenic mutation, located in coding exon 42 of the NF1 gene, results from a deletion of 4 nucleotides at nucleotide positions 6398 to 6401, causing a translational frameshift with a predicted alternate stop codon (p.T2133Sfs*45). This variant was reported in individual(s) with features consistent with Neurofibromatosis type 1 (Ambry internal data). This variant is considered to be rare based on population cohorts in the Genome Aggregation Database (gnomAD). This alteration is expected to result in loss of function by premature protein truncation or nonsense-mediated mRNA decay. As such, this alteration is interpreted as a disease-causing mutation.